The following is an entry in ClinVar:

NM_024408.4(NOTCH2):c.5179C>T (p.Arg1727Cys)

Gene: NOTCH2 (notch receptor 2; minus strand). Cytogenetic location: 1p12.
Variant type: single nucleotide variant.
Coding change: c.5179C>T on transcript NM_024408.4 (MANE Select); coding-DNA position 5179, C replaced by T.
Protein change: p.Arg1727Cys; replaces arginine 1727 with cysteine.
Molecular consequence: missense variant.
Genome position (GRCh38, 1-based): chr1:119,922,270, G>A on the plus strand (C>T on the coding strand, the complement: NOTCH2 is on the minus strand). VCF-style: chr1-119922270-G-A. GRCh37 (hg19) VCF-style: chr1-120464893-G-A.
Other names: p.Arg1727Cys; short protein forms R1727C.
Identifiers: ClinVar variation 4541404 (VCV004541404.1).
Genomic context (GRCh38, chr1:119,922,270, plus strand): 5'-AGTGGCTTATTGGCAATGCCTCTTACTTCAGCCCCACAGCATCCTGTCCCACTGGCTCAC[G>A]ACGCTTGTGATTGCTTGCATCTCGGCGAAGAGTGAAACCTTCAGGCAGCCAGAGAGAGCC-3'
Protein context (NP_077719.2, residues 1717-1737): LRRDASNHKR[Arg1727Cys]EPVGQDAVGL

ClinVar aggregate classification (germline): Uncertain significance (1 of 4 stars; one submission).

gnomAD v4.1: 2 of 1,614,016 alleles (0.00012%); highest among the groups gnomAD compares: Admixed American, 0.0017%; no homozygotes.

Submission:

Mayo Clinic Laboratories, Mayo Clinic
Classification: Uncertain significance. Last evaluated: 2025-06-27. Review status: criteria provided, single submitter. Criteria: ACMG Guidelines, 2015. Collection method: clinical testing. Allele origin: germline. Observed: 1 variant allele.
Comment: PP3